The following is an entry in ClinVar:

ClinVar aggregate classification (germline): Uncertain significance (1 of 4 stars; one submission).

Conditions:
Deficiency of alpha-mannosidase (MANSA). Also called: LYSOSOMAL ALPHA-D-MANNOSIDASE DEFICIENCY; Mannosidosis, alpha-, types I and II; Alpha-Mannosidosis. Identifiers: Orphanet 61, MedGen C0024748, MONDO:0009561, OMIM 248500.

Allele frequency attached by ClinVar (database versions not stated): gnomAD exomes below 0.00001; gnomAD 0.00001; TOPMed 0.00003.
gnomAD v4.1: 3 of 1,614,130 alleles (0.00019%); highest among the groups gnomAD compares: Admixed American, 0.0033%; no homozygotes.

Submission:

Labcorp Genetics (formerly Invitae), Labcorp
Classification: Uncertain significance for Deficiency of alpha-mannosidase. Last evaluated: 2022-07-30. Review status: criteria provided, single submitter. Criteria: Invitae Variant Classification Sherloc (09022015). Collection method: clinical testing. Allele origin: germline.
Comment: This sequence change replaces valine, which is neutral and non-polar, with methionine, which is neutral and non-polar, at codon 913 of the MAN2B1 protein (p.Val913Met). This variant is not present in population databases (gnomAD no frequency). This variant has not been reported in the literature in individuals affected with MAN2B1-related conditions. ClinVar contains an entry for this variant (Variation ID: 1442635). Algorithms developed to predict the effect of missense changes on protein structure and function are either unavailable or do not agree on the potential impact of this missense change (SIFT: "Deleterious"; PolyPhen-2: "Possibly Damaging"; Align-GVGD: "Class C0"). In summary, the available evidence is currently insufficient to determine the role of this variant in disease. Therefore, it has been classified as a Variant of Uncertain Significance.

NM_000528.4(MAN2B1):c.2737G>A (p.Val913Met)

Genes: MAN2B1 (mannosidase alpha class 2B member 1; minus strand), LOC130063648 (ATAC-STARR-seq lymphoblastoid active region 14063; plus strand). Cytogenetic location: 19p13.13.
Variant type: single nucleotide variant.
Coding change: c.2737G>A on transcript NM_000528.4 (MANE Select); coding-DNA position 2737, G replaced by A.
Protein change: p.Val913Met; replaces valine 913 with methionine.
Molecular consequence: missense variant.
Genome position (GRCh38, 1-based): chr19:12,647,526, C>T on the plus strand (G>A on the coding strand, the complement: MAN2B1 is on the minus strand). VCF-style: chr19-12647526-C-T. GRCh37 (hg19) VCF-style: chr19-12758340-C-T.
Other names: c.2734G>A, p.Val912Met (NM_001173498.2); short protein forms V912M, V913M.
Identifiers: ClinVar variation 1442635 (VCV001442635.3), dbSNP rs929568109, ClinGen allele CA305460329.